The following is an entry in ClinVar:

NM_020458.4(TTC7A):c.1919+1G>C

Gene: TTC7A (tetratricopeptide repeat domain 7A; plus strand). Cytogenetic location: 2p21.
Variant type: single nucleotide variant.
Coding change: c.1919+1G>C on transcript NM_020458.4 (MANE Select); the canonical splice donor site of the intron after coding-DNA position 1919, G replaced by C.
Molecular consequence: splice donor variant.
Genome position (GRCh38, 1-based): chr2:47,046,432, G>C. VCF-style: chr2-47046432-G-C. GRCh37 (hg19) VCF-style: chr2-47273571-G-C.
Other names: c.1817+1G>C (NM_001288953.2); c.1919+1G>C (NM_001288951.2); c.857+1G>C (NM_001288955.2).
Identifiers: ClinVar variation 1066268 (VCV001066268.11), dbSNP rs751311194, ClinGen allele CA346719990.

ClinVar aggregate classification (germline): Likely pathogenic (1 of 4 stars; one submission).

Conditions:
Multiple gastrointestinal atresias. Also called: FAMILIAL INTESTINAL POLYATRESIA SYNDROME; Multiple intestinal atresia. Identifiers: Orphanet 2300, MedGen C0220744, MONDO:0009465.

gnomAD v4.1: 4 of 1,612,928 alleles (0.00025%); highest among the groups gnomAD compares: Non-Finnish European, 0.00025%; no homozygotes.

Submission:

Labcorp Genetics (formerly Invitae), Labcorp
Classification: Likely pathogenic for Multiple gastrointestinal atresias. Last evaluated: 2020-01-15. Review status: criteria provided, single submitter. Criteria: Invitae Variant Classification Sherloc (09022015). Collection method: clinical testing. Allele origin: germline.
Comment: Donor and acceptor splice site variants typically lead to a loss of protein function (PMID: 16199547), and loss-of-function variants in TTC7A are known to be pathogenic (PMID: 23830146, 24292712). Algorithms developed to predict the effect of sequence changes on RNA splicing suggest that this variant may disrupt the consensus splice site, but this prediction has not been confirmed by published transcriptional studies. Disruption of this splice site has been observed in individual(s) with combined immunodeficiency with intestinal atresias (PMID: 23830146). This variant is not present in population databases (ExAC no frequency). This sequence change affects a donor splice site in intron 16 of the TTC7A gene. It is expected to disrupt RNA splicing and likely results in an absent or disrupted protein product. In summary, the currently available evidence indicates that the variant is pathogenic, but additional data are needed to prove that conclusively. Therefore, this variant has been classified as Likely Pathogenic.

Literature cited by the submitters: PubMed 16199547; PubMed 23830146; PubMed 24292712.